The following is an entry in ClinVar:

ClinVar aggregate classification (germline): Likely pathogenic. Review status: criteria provided, multiple submitters, no conflicts (2 of 4 stars). 3 submissions from 3 submitters: Likely pathogenic (2). 1 of the submissions does not count toward it. Last evaluated 2024-04-17.

Conditions:
GNE myopathy (NM). Also called: IBM 2; Inclusion body myopathy autosomal recessive; Inclusion body myopathy quadriceps sparing; NONAKA DISTAL MYOPATHY; INCLUSION BODY MYOPATHY, HEREDITARY, AUTOSOMAL RECESSIVE; INCLUSION BODY MYOPATHY 2, AUTOSOMAL RECESSIVE. Identifiers: Orphanet 602, MedGen C1853926, MONDO:0011603, OMIM 605820.
Sialuria. Also called: SIALURIA, FRENCH TYPE; Sialic Acid Storage Disease. Identifiers: Orphanet 3166, MedGen C0342853, MONDO:0010028, OMIM 269921.
Thrombocytopenia 12 with or without myopathy (THC12). Identifiers: MedGen C5935593, MONDO:0958325, OMIM 620757.

Submissions (3):

Fulgent Genetics
Classification: Likely pathogenic for Sialuria; GNE myopathy; Thrombocytopenia 12 with or without myopathy. Last evaluated: 2024-04-17. Review status: criteria provided, single submitter. Criteria: ACMG Guidelines, 2015. Collection method: clinical testing. Allele origin: germline.

Women's Health and Genetics/Laboratory Corporation of America, LabCorp
Classification: Likely pathogenic for GNE myopathy. Last evaluated: 2024-04-12. Review status: criteria provided, single submitter. Criteria: LabCorp Variant Classification Summary - May 2015. Collection method: clinical testing. Allele origin: germline.
Comment: Variant summary: GNE c.1010G>A (p.Arg337Gln) results in a conservative amino acid change located in the UDP-N-acetylglucosamine 2-epimerase domain (IPR003331) of the encoded protein sequence. Three of five in-silico tools predict a damaging effect of the variant on protein function. The variant allele was found at a frequency of 4e-06 in 251486 control chromosomes. c.1010G>A has been reported in the literature in at-least four individuals affected with GNE-related myopathy (example,Chen_2019, Lv_2022, Mori-Yoshimura_2012, Nishino_2002, Park_2019). These data indicate that the variant is likely to be associated with disease. To our knowledge, no experimental evidence demonstrating an impact on protein function has been reported. The following publications have been ascertained in the context of this evaluation (PMID: 30390020, 35138478, 22507750, 12473753, 31286697). ClinVar contains an entry for this variant (Variation ID: 498574). Based on the evidence outlined above, the variant was classified as likely pathogenic.

Eurofins Ntd Llc (ga)
Classification: Uncertain significance. Last evaluated: 2016-11-16. Review status: flagged submission. Criteria: EGL Classification Definitions 2015. Collection method: clinical testing. Allele origin: germline. Observed: 1 variant allele, 1 heterozygote. Not counted in ClinVar's aggregate classification.
ClinVar note: Reason: Older claim that does not account for recent evidence

Literature cited by the submitters: PubMed 12473753 (cited by Women's Health and Genetics/Laboratory Corporation of America, LabCorp and Eurofins Ntd Llc (ga)); PubMed 30390020 (cited by Women's Health and Genetics/Laboratory Corporation of America, LabCorp); PubMed 35138478 (cited by Women's Health and Genetics/Laboratory Corporation of America, LabCorp); PubMed 22507750 (cited by Women's Health and Genetics/Laboratory Corporation of America, LabCorp and Eurofins Ntd Llc (ga)); PubMed 31286697 (cited by Women's Health and Genetics/Laboratory Corporation of America, LabCorp).

NM_005476.7(GNE):c.917G>A (p.Arg306Gln)

Gene: GNE (glucosamine (UDP-N-acetyl)-2-epimerase/N-acetylmannosamine kinase; minus strand). Cytogenetic location: 9p13.3.
Variant type: single nucleotide variant.
Coding change: c.917G>A on transcript NM_005476.7 (MANE Select); coding-DNA position 917, G replaced by A.
Protein change: p.Arg306Gln; replaces arginine 306 with glutamine.
Molecular consequence: missense variant.
Genome position (GRCh38, 1-based): chr9:36,233,985, C>T on the plus strand (G>A on the coding strand, the complement: GNE is on the minus strand). VCF-style: chr9-36233985-C-T. GRCh37 (hg19) VCF-style: chr9-36233982-C-T.
Other names: c.740G>A, p.Arg247Gln (NM_001190388.2, NM_001374798.1); c.764G>A, p.Arg255Gln (NM_001374797.1); c.1010G>A, p.Arg337Gln (NM_001128227.3); c.917G>A, p.Arg306Gln (NM_001190383.3); c.587G>A, p.Arg196Gln (NM_001190384.3); short protein forms R306Q, R337Q, R196Q, R247Q, R255Q.
Identifiers: ClinVar variation 498574 (VCV000498574.7), dbSNP rs1455785164, ClinGen allele CA373430587.
Genomic context (GRCh38, chr9:36,233,985, plus strand): 5'-TCTCTTCCAATCTGACGTGTTCCCAGGTTGATCACAGGTGTTCCAAAAGCTCCAACTTCT[C>T]GAACCCCACAGCTGCTGTTCCCAATCATACAGCCAGCATGGGCAACCAACTGTATAAACT-3'
Protein context (NP_005467.1, residues 296-316): CMIGNSSCGV[Arg306Gln]EVGAFGTPVI